The following is an entry in ClinVar:

ClinVar aggregate classification (germline): Uncertain significance (1 of 4 stars; one submission).

Submission:

Labcorp Genetics (formerly Invitae), Labcorp
Classification: Uncertain significance. Last evaluated: 2023-05-08. Review status: criteria provided, single submitter. Criteria: Invitae Variant Classification Sherloc (09022015). Collection method: clinical testing. Allele origin: germline.
Comment: In summary, the available evidence is currently insufficient to determine the role of this variant in disease. Therefore, it has been classified as a Variant of Uncertain Significance. This variant has not been reported in the literature in individuals affected with FH-related conditions. This variant results in a copy number gain of the genomic region encompassing exon(s) 1-2 of the FH gene. This region includes the initiator codon of the gene. This copy number gain extends beyond the assayed region for this gene and therefore may encompass additional genes. As the precise location of this event is unknown, it may be in tandem or it may be located elsewhere in the genome.

NC_000001.11:g.(?_241517172)_(241519722_?)dup

Gene: FH (fumarate hydratase; minus strand). Cytogenetic location: 1q43.
Variant type: Duplication.
Identifiers: ClinVar variation 831430 (VCV000831430.43).